The following is an entry in ClinVar:

ClinVar aggregate classification (germline): Uncertain significance (1 of 4 stars; one submission).

Submission:

Labcorp Genetics (formerly Invitae), Labcorp
Classification: Uncertain significance. Last evaluated: 2024-05-19. Review status: criteria provided, single submitter. Criteria: Invitae Variant Classification Sherloc (09022015). Collection method: clinical testing. Allele origin: germline.
Comment: This sequence change replaces glutamic acid, which is acidic and polar, with lysine, which is basic and polar, at codon 184 of the CRYM protein (p.Glu184Lys). This variant is not present in population databases (gnomAD no frequency). This variant has not been reported in the literature in individuals affected with CRYM-related conditions. Advanced modeling of protein sequence and biophysical properties (such as structural, functional, and spatial information, amino acid conservation, physicochemical variation, residue mobility, and thermodynamic stability) performed at Invitae indicates that this missense variant is not expected to disrupt CRYM protein function with a negative predictive value of 80%. In summary, the available evidence is currently insufficient to determine the role of this variant in disease. Therefore, it has been classified as a Variant of Uncertain Significance.

NM_001376256.1(CRYM):c.550G>A (p.Glu184Lys)

Gene: CRYM (crystallin mu; minus strand). Cytogenetic location: 16p12.2.
Variant type: single nucleotide variant.
Coding change: c.550G>A on transcript NM_001376256.1 (MANE Select); coding-DNA position 550, G replaced by A.
Protein change: p.Glu184Lys; replaces glutamic acid 184 with lysine.
Molecular consequence: missense variant.
Genome position (GRCh38, 1-based): chr16:21,267,677, C>T on the plus strand (G>A on the coding strand, the complement: CRYM is on the minus strand). VCF-style: chr16-21267677-C-T. GRCh37 (hg19) VCF-style: chr16-21278998-C-T.
Other names: c.550G>A, p.Glu184Lys (NM_001888.5); short protein forms E184K.
Identifiers: ClinVar variation 3695039 (VCV003695039.2).